The following is an entry in ClinVar:

ClinVar aggregate classification (germline): Uncertain significance (1 of 4 stars; one submission).

Conditions:
Myofibrillar myopathy 4. Also called: Zaspopathy (type). Identifiers: Orphanet 98912, MedGen C4721886, MONDO:0012277, OMIM 609452.

Submission:

Labcorp Genetics (formerly Invitae), Labcorp
Classification: Uncertain significance for Myofibrillar myopathy 4. Last evaluated: 2024-02-15. Review status: criteria provided, single submitter. Criteria: Invitae Variant Classification Sherloc (09022015). Collection method: clinical testing. Allele origin: germline.
Comment: This sequence change replaces isoleucine, which is neutral and non-polar, with valine, which is neutral and non-polar, at codon 150 of the LDB3 protein (p.Ile150Val). This variant is not present in population databases (gnomAD no frequency). This variant has not been reported in the literature in individuals affected with LDB3-related conditions. An algorithm developed to predict the effect of missense changes on protein structure and function (PolyPhen-2) suggests that this variant is likely to be tolerated. In summary, the available evidence is currently insufficient to determine the role of this variant in disease. Therefore, it has been classified as a Variant of Uncertain Significance.

NM_001368067.1(LDB3):c.448A>G (p.Ile150Val)

Genes: LDB3 (LIM domain binding 3; plus strand), LOC110121486 (VISTA enhancer hs2143; plus strand). Cytogenetic location: 10q23.2.
Variant type: single nucleotide variant.
Coding change: c.448A>G on transcript NM_001368067.1 (MANE Plus Clinical); coding-DNA position 448, A replaced by G.
Protein change: p.Ile150Val; replaces isoleucine 150 with valine.
Molecular consequence: missense variant. On other transcripts: intron variant (5).
Genome position (GRCh38, 1-based): chr10:86,687,172, A>G. VCF-style: chr10-86687172-A-G. GRCh37 (hg19) VCF-style: chr10-88446929-A-G.
Other names: c.448A>G, p.Ile150Val (NM_001080114.2, NM_001080116.1, NM_001368066.1 and 1 more transcripts); c.793A>G, p.Ile265Val (NM_001171610.2, NM_001171611.2); c.690-4724A>G (NM_001368064.1, NM_001368063.1, NM_007078.3 and 2 more transcripts); short protein forms I150V, I265V.
Identifiers: ClinVar variation 3640776 (VCV003640776.2).